The following is an entry in ClinVar:

ClinVar aggregate classification (germline): Uncertain significance. Review status: criteria provided, multiple submitters, no conflicts (2 of 4 stars). 2 submissions from 2 submitters: Uncertain significance (2). Last evaluated 2025-08-25.

Conditions:
Cardiovascular phenotype. Identifiers: MedGen CN230736.

Allele frequency attached by ClinVar (database versions not stated): ExAC 0.00001.
gnomAD v4.1: 8 of 1,585,060 alleles (0.0005%); highest among the groups gnomAD compares: South Asian, 0.0069%; no homozygotes.

Submissions (2):

Labcorp Genetics (formerly Invitae), Labcorp
Classification: Uncertain significance. Last evaluated: 2025-08-25. Review status: criteria provided, single submitter. Criteria: Invitae Variant Classification Sherloc (09022015). Collection method: clinical testing. Allele origin: germline.
Comment: This sequence change replaces proline, which is neutral and non-polar, with leucine, which is neutral and non-polar, at codon 751 of the ALPK3 protein (p.Pro751Leu). This variant is present in population databases (rs758425827, gnomAD 0.008%). This variant has not been reported in the literature in individuals affected with ALPK3-related conditions. ClinVar contains an entry for this variant (Variation ID: 1955888). Invitae Evidence Modeling of protein sequence and biophysical properties (such as structural, functional, and spatial information, amino acid conservation, physicochemical variation, residue mobility, and thermodynamic stability) indicates that this missense variant is not expected to disrupt ALPK3 protein function with a negative predictive value of 80%. In summary, the available evidence is currently insufficient to determine the role of this variant in disease. Therefore, it has been classified as a Variant of Uncertain Significance.

Ambry Genetics
Classification: Uncertain significance for Cardiovascular phenotype. Last evaluated: 2025-03-02. Review status: criteria provided, single submitter. Criteria: Ambry Variant Classification Scheme 2023. Collection method: clinical testing. Allele origin: germline.
Comment: The p.P751L variant (also known as c.2252C>T), located in coding exon 5 of the ALPK3 gene, results from a C to T substitution at nucleotide position 2252. The proline at codon 751 is replaced by leucine, an amino acid with similar properties. This amino acid position is conserved. In addition, this alteration is predicted to be tolerated by in silico analysis. Based on the available evidence, the clinical significance of this variant remains unclear.

NM_020778.5(ALPK3):c.1646C>T (p.Pro549Leu)

Genes: ALPK3 (alpha kinase 3; plus strand), LOC111718493 (skeletal muscle cis-regulatory module overlapping ALPK3; plus strand). Cytogenetic location: 15q25.3.
Variant type: single nucleotide variant.
Coding change: c.1646C>T on transcript NM_020778.5 (MANE Select); coding-DNA position 1646, C replaced by T.
Protein change: p.Pro549Leu; replaces proline 549 with leucine.
Molecular consequence: missense variant.
Genome position (GRCh38, 1-based): chr15:84,840,925, C>T. VCF-style: chr15-84840925-C-T. GRCh37 (hg19) VCF-style: chr15-85384156-C-T.
Other names: c.2252C>T (NM_020778.4); short protein forms P549L.
Identifiers: ClinVar variation 1955888 (VCV001955888.6), dbSNP rs758425827, ClinGen allele CA7709242.